The following is an entry in ClinVar:

NM_153747.2(PIGC):c.644T>C (p.Met215Thr)

Genes: C1orf105 (chromosome 1 open reading frame 105; plus strand), PIGC (phosphatidylinositol glycan anchor biosynthesis class C; minus strand). Cytogenetic location: 1q24.3.
Variant type: single nucleotide variant.
Coding change: c.644T>C on transcript NM_153747.2 (MANE Select); coding-DNA position 644, T replaced by C.
Protein change: p.Met215Thr; replaces methionine 215 with threonine.
Molecular consequence: missense variant. On other transcripts: intron variant (1).
Genome position (GRCh38, 1-based): chr1:172,441,979, A>G on the plus strand (T>C on the coding strand, the complement: PIGC is on the minus strand). VCF-style: chr1-172441979-A-G. GRCh37 (hg19) VCF-style: chr1-172411119-A-G.
Other names: c.644T>C, p.Met215Thr (NM_002642.4); c.22-3094A>G (NM_139240.4); short protein forms M215T.
Identifiers: ClinVar variation 1965533 (VCV001965533.4), dbSNP rs1278813615, ClinGen allele CA343731694.

ClinVar aggregate classification (germline): Uncertain significance (1 of 4 stars; one submission).

Allele frequency attached by ClinVar (database versions not stated): gnomAD exomes below 0.00001; gnomAD 0.00001; TOPMed 0.00001.
gnomAD v4.1: 4 of 1,614,092 alleles (0.00025%); highest among the groups gnomAD compares: Non-Finnish European, 0.00034%; no homozygotes.

Submission:

Labcorp Genetics (formerly Invitae), Labcorp
Classification: Uncertain significance. Last evaluated: 2024-04-17. Review status: criteria provided, single submitter. Criteria: Invitae Variant Classification Sherloc (09022015). Collection method: clinical testing. Allele origin: germline.
Comment: This sequence change replaces methionine, which is neutral and non-polar, with threonine, which is neutral and polar, at codon 215 of the PIGC protein (p.Met215Thr). This variant is not present in population databases (gnomAD no frequency). This variant has not been reported in the literature in individuals affected with PIGC-related conditions. ClinVar contains an entry for this variant (Variation ID: 1965533). Advanced modeling of protein sequence and biophysical properties (such as structural, functional, and spatial information, amino acid conservation, physicochemical variation, residue mobility, and thermodynamic stability) performed at Invitae indicates that this missense variant is not expected to disrupt PIGC protein function with a negative predictive value of 80%. In summary, the available evidence is currently insufficient to determine the role of this variant in disease. Therefore, it has been classified as a Variant of Uncertain Significance.